The following is an entry in ClinVar:

ClinVar aggregate classification (germline): conflicting data from submitters (0 of 4 stars; one submission).

Submission:

ISCA Site 6
Classification: conflicting data from submitters. Review status: no assertion criteria provided. Collection method: clinical testing. Allele origin: unknown. Affected: yes. Observed: 4 variant alleles. Clinical features observed: Developmental delay AND/OR other significant developmental or morphological phenotypes.
Comment: Uncertain significance(1), Likely benign (1), Benign (2)

Copy number variation identified through the course of routine clinical cytogenomic testing in postnatal populations, with clinical assertions as classified by the original submitter. For data from the original published study, Kaminsky, et al. 2011 (PubMed 21844811), please see nstd101.

GRCh37/hg19 2q37.3(chr2:238475200-238475304)x3

Gene: PRLH (prolactin releasing hormone; plus strand). Cytogenetic location: 2q37.3.
Variant type: copy number gain.
Change: copy number 3 (three copies instead of two) of chr2:238,475,200-238,475,304 (0.1 kb, GRCh37 coordinates, 1-based), cytogenetic band 2q37.3.
Identifiers: ClinVar variation 394723 (VCV000394723.4).